The following is an entry in ClinVar:

ClinVar aggregate classification (germline): Pathogenic (1 of 4 stars; one submission).

Conditions:
Hereditary cancer-predisposing syndrome. Also called: Neoplastic Syndromes, Hereditary; Tumor predisposition; Hereditary Cancer Syndrome; Hereditary neoplastic syndrome. Identifiers: Orphanet 140162, MedGen C0027672, MeSH D009386, MONDO:0015356.

Submission:

Ambry Genetics
Classification: Pathogenic for Hereditary cancer-predisposing syndrome. Last evaluated: 2019-04-26. Review status: criteria provided, single submitter. Criteria: Ambry Variant Classification Scheme 2023. Collection method: clinical testing. Allele origin: germline.
Comment: The c.391delC pathogenic mutation, located in coding exon 2 of the PHOX2B gene, results from a deletion of one nucleotide at position 391, causing a translational frameshift with a predicted alternate stop codon (p.L131Wfs*3). This mutation has been reported in several members of one family with phenotypic variability in our clinical cohort and in the literature (Bygarski E et al. J Med Case Rep, 2013;7:117). In addition to the clinical data presented in the literature, this alteration is expected to result in loss of function by premature protein truncation. As such, this alteration is interpreted as a disease-causing mutation.

Literature cited by the submitters: PubMed 23622117.

NM_003924.4(PHOX2B):c.391del (p.Leu131fs)

Gene: PHOX2B (paired like homeobox 2B; minus strand). Cytogenetic location: 4p13.
Variant type: Deletion.
Coding change: c.391del on transcript NM_003924.4 (MANE Select); coding-DNA position 391, one base deleted (C; older notation c.391delC).
Protein change: p.Leu131fs; shifts the reading frame from leucine 131.
Molecular consequence: frameshift variant.
Genome position (GRCh38, 1-based): chr4:41,747,387, G deleted on the plus strand (C on the coding strand, the reverse complement: PHOX2B is on the minus strand). VCF-style (leftmost placement, unchanged base first): chr4-41747386-AG-A. GRCh37 (hg19) VCF-style: chr4-41749403-AG-A.
Other names: short protein forms L131fs.
Identifiers: ClinVar variation 1736181 (VCV001736181.2), dbSNP rs2552097014, ClinGen allele CA2580071027.